The following is an entry in ClinVar:

NM_002470.4(MYH3):c.52C>T (p.Arg18Trp)

Gene: MYH3 (myosin heavy chain 3; minus strand). Cytogenetic location: 17p13.1.
Variant type: single nucleotide variant.
Coding change: c.52C>T on transcript NM_002470.4 (MANE Select); coding-DNA position 52, C replaced by T.
Protein change: p.Arg18Trp; replaces arginine 18 with tryptophan.
Molecular consequence: missense variant.
Genome position (GRCh38, 1-based): chr17:10,655,013, G>A on the plus strand (C>T on the coding strand, the complement: MYH3 is on the minus strand). VCF-style: chr17-10655013-G-A. GRCh37 (hg19) VCF-style: chr17-10558330-G-A.
Other names: c.52C>T (NM_002470.3); short protein forms R18W.
Identifiers: ClinVar variation 1929746 (VCV001929746.7), dbSNP rs750940457, ClinGen allele CA8393421.
Genomic context (GRCh38, chr17:10,655,013, plus strand): 5'-AATACGTCTTGGCATCAAAGGGCTGGTTCTGAGCCTCGATCCTCTCCTTTTCTGACTTCC[G>A]GAGGAAAGGAGCAGCTATGCCGAACACTTCCATTTCAGTGTCACTACTCATGGTGTCAGC-3'
Protein context (NP_002461.2, residues 8-28): EVFGIAAPFL[Arg18Trp]KSEKERIEAQ

ClinVar aggregate classification (germline): Uncertain significance. Review status: criteria provided, multiple submitters, no conflicts (2 of 4 stars). 3 submissions from 3 submitters: Uncertain significance (3). Last evaluated 2025-08-01.

Conditions:
Inborn genetic diseases. Identifiers: MedGen C0950123, MeSH D030342.

Allele frequency attached by ClinVar (database versions not stated): ExAC 0.00001; gnomAD exomes 0.00001; gnomAD 0.00002; TOPMed 0.00002.
gnomAD v4.1: 12 of 1,614,058 alleles (0.00074%); highest among the groups gnomAD compares: African/African-American, 0.004%; no homozygotes.

Submissions (3):

Ambry Genetics
Classification: Uncertain significance for Inborn genetic diseases. Last evaluated: 2025-08-01. Review status: criteria provided, single submitter. Criteria: Ambry Variant Classification Scheme 2023. Collection method: clinical testing. Allele origin: germline.

Labcorp Genetics (formerly Invitae), Labcorp
Classification: Uncertain significance. Last evaluated: 2025-06-23. Review status: criteria provided, single submitter. Criteria: Invitae Variant Classification Sherloc (09022015). Collection method: clinical testing. Allele origin: germline.
Comment: This sequence change replaces arginine, which is basic and polar, with tryptophan, which is neutral and slightly polar, at codon 18 of the MYH3 protein (p.Arg18Trp). This variant is present in population databases (rs750940457, gnomAD 0.007%). This variant has not been reported in the literature in individuals affected with MYH3-related conditions. ClinVar contains an entry for this variant (Variation ID: 1929746). Invitae Evidence Modeling of protein sequence and biophysical properties (such as structural, functional, and spatial information, amino acid conservation, physicochemical variation, residue mobility, and thermodynamic stability) has been performed for this missense variant. However, the output from this modeling did not meet the statistical confidence thresholds required to predict the impact of this variant on MYH3 protein function. In summary, the available evidence is currently insufficient to determine the role of this variant in disease. Therefore, it has been classified as a Variant of Uncertain Significance.

Women's Health and Genetics/Laboratory Corporation of America, LabCorp
Classification: Uncertain significance. Last evaluated: 2023-06-30. Review status: criteria provided, single submitter. Criteria: LabCorp Variant Classification Summary - May 2015. Collection method: clinical testing. Allele origin: germline.
Comment: Variant summary: MYH3 c.52C>T (p.Arg18Trp) results in a non-conservative amino acid change in the encoded protein sequence. Five of five in-silico tools predict a damaging effect of the variant on protein function. The variant allele was found at a frequency of 4e-06 in 251486 control chromosomes (gnomAD). The available data on variant occurrences in the general population are insufficient to allow any conclusion about variant significance. To our knowledge, no occurrence of c.52C>T in individuals affected with MYH3-Related Disorders and no experimental evidence demonstrating its impact on protein function have been reported. One submitter has cited clinical-significance assessments for this variant to ClinVar after 2014 and has classified the variant as uncertain significance. Based on the evidence outlined above, the variant was classified as uncertain significance.